The following is an entry in ClinVar:

ClinVar aggregate classification (germline): Likely benign. Review status: criteria provided, multiple submitters, no conflicts (2 of 4 stars). 3 submissions from 3 submitters: Likely benign (3). Last evaluated 2024-08-08.

Conditions:
Intellectual developmental disorder, autosomal dominant 1. Also called: MBD5 Haploinsufficiency; Intellectual disability, autosomal dominant 1. Identifiers: Orphanet 228402, MedGen C1969562, MONDO:0007974, OMIM 156200.

Allele frequency attached by ClinVar (database versions not stated): gnomAD 0.00002 and 0.00003; TOPMed 0.00003; ESP Exome Variant Server 0.00008; ExAC 0.00001.
gnomAD v4.1: 59 of 1,614,052 alleles (0.0037%); highest among the groups gnomAD compares: Non-Finnish European, 0.0047%; no homozygotes.

Submissions (3):

Labcorp Genetics (formerly Invitae), Labcorp
Classification: Likely benign for Intellectual developmental disorder, autosomal dominant 1. Last evaluated: 2024-08-08. Review status: criteria provided, single submitter. Criteria: Invitae Variant Classification Sherloc (09022015). Collection method: clinical testing. Allele origin: germline.

Blueprint Genetics
Classification: Likely benign. Last evaluated: 2023-02-21. Review status: criteria provided, single submitter. Criteria: ACMG Guidelines, 2015. Collection method: clinical testing. Allele origin: germline.

GeneDx
Classification: Likely benign. Last evaluated: 2018-02-02. Review status: criteria provided, single submitter. Criteria: GeneDx Variant Classification (06012015). Collection method: clinical testing. Allele origin: germline. Affected: yes.
Comment: This variant is considered likely benign or benign based on one or more of the following criteria: it is a conservative change, it occurs at a poorly conserved position in the protein, it is predicted to be benign by multiple in silico algorithms, and/or has population frequency not consistent with disease.

NM_001378120.1(MBD5):c.3924C>T (p.Leu1308=)

Gene: MBD5 (methyl-CpG binding domain protein 5; plus strand). Cytogenetic location: 2q23.1.
Variant type: single nucleotide variant.
Coding change: c.3924C>T on transcript NM_001378120.1 (MANE Select); coding-DNA position 3924, C replaced by T.
Protein change: p.Leu1308=; no amino-acid change (leucine 1308 retained).
Molecular consequence: synonymous variant.
Genome position (GRCh38, 1-based): chr2:148,489,556, C>T. VCF-style: chr2-148489556-C-T. GRCh37 (hg19) VCF-style: chr2-149247125-C-T.
Other names: c.3225C>T, p.Leu1075= (NM_018328.5).
Identifiers: ClinVar variation 507624 (VCV000507624.10), dbSNP rs146096552, ClinGen allele CA1900357.